The following is an entry in ClinVar:

NM_006745.5(MSMO1):c.179C>G (p.Ala60Gly)

Gene: MSMO1 (methylsterol monooxygenase 1; plus strand). Cytogenetic location: 4q32.3.
Variant type: single nucleotide variant.
Coding change: c.179C>G on transcript NM_006745.5 (MANE Select); coding-DNA position 179, C replaced by G.
Protein change: p.Ala60Gly; replaces alanine 60 with glycine.
Molecular consequence: missense variant. On other transcripts: intron variant (1).
Genome position (GRCh38, 1-based): chr4:165,333,549, C>G. VCF-style: chr4-165333549-C-G. GRCh37 (hg19) VCF-style: chr4-166254701-C-G.
Other names: c.179C>G (NM_006745.4); c.-138-4240C>G (NM_001017369.3); short protein forms A60G.
Identifiers: ClinVar variation 2191614 (VCV002191614.5), dbSNP rs774882572, ClinGen allele CA3129922.
Genomic context (GRCh38, chr4:165,333,549, plus strand): 5'-TGTTGAATAATTATACAAAGTTCCAGATTGCAACATGGGGATCCCTTATAGTTCATGAAG[C>G]CCTTTATTTCTTATTCTGTTTACCTGGATTTTTATTTCAATTTATACCTTATATGAAAAA-3'
Protein context (NP_006736.1, residues 50-70): ATWGSLIVHE[Ala60Gly]LYFLFCLPGF

ClinVar aggregate classification (germline): Uncertain significance. Review status: criteria provided, multiple submitters, no conflicts (2 of 4 stars). 2 submissions from 2 submitters: Uncertain significance (2). Last evaluated 2023-10-13.

Allele frequency attached by ClinVar (database versions not stated): gnomAD 0.00001; TOPMed 0.00001; ExAC 0.00003.
gnomAD v4.1: 20 of 1,609,644 alleles (0.0012%); highest among the groups gnomAD compares: Middle Eastern, 0.017%; no homozygotes.

Submissions (2):

Ambry Genetics
Classification: Uncertain significance. Last evaluated: 2023-10-13. Review status: criteria provided, single submitter. Criteria: Ambry Variant Classification Scheme 2023. Collection method: clinical testing. Allele origin: germline.

Labcorp Genetics (formerly Invitae), Labcorp
Classification: Uncertain significance. Last evaluated: 2022-06-23. Review status: criteria provided, single submitter. Criteria: Invitae Variant Classification Sherloc (09022015). Collection method: clinical testing. Allele origin: germline.
Comment: This variant has not been reported in the literature in individuals affected with MSMO1-related conditions. Algorithms developed to predict the effect of missense changes on protein structure and function (SIFT, PolyPhen-2, Align-GVGD) all suggest that this variant is likely to be tolerated. In summary, the available evidence is currently insufficient to determine the role of this variant in disease. Therefore, it has been classified as a Variant of Uncertain Significance. This sequence change replaces alanine, which is neutral and non-polar, with glycine, which is neutral and non-polar, at codon 60 of the MSMO1 protein (p.Ala60Gly). This variant is present in population databases (rs774882572, gnomAD 0.006%).